The following is an entry in ClinVar:

ClinVar aggregate classification (germline): Conflicting classifications of pathogenicity. Review status: criteria provided, conflicting classifications (1 of 4 stars). 2 submissions from 2 submitters: Uncertain significance (1); Likely benign (1). Last evaluated 2024-08-20.

Conditions:
NIK deficiency. Also called: Primary immunodeficiency with multifaceted aberrant lymphoid immunity. Identifiers: Orphanet 447731, MedGen C5680065, MONDO:0018642.

Allele frequency attached by ClinVar (database versions not stated): gnomAD 0.00005; TOPMed 0.00006; ExAC 0.00007.
gnomAD v4.1: 55 of 1,613,232 alleles (0.0034%); highest among the groups gnomAD compares: Middle Eastern, 0.066%; no homozygotes.

Submissions (2):

Labcorp Genetics (formerly Invitae), Labcorp
Classification: Uncertain significance for NIK deficiency. Last evaluated: 2024-08-20. Review status: criteria provided, single submitter. Criteria: Invitae Variant Classification Sherloc (09022015). Collection method: clinical testing. Allele origin: germline.
Comment: This sequence change replaces proline, which is neutral and non-polar, with leucine, which is neutral and non-polar, at codon 30 of the MAP3K14 protein (p.Pro30Leu). This variant is present in population databases (rs780884476, gnomAD 0.01%). This variant has not been reported in the literature in individuals affected with MAP3K14-related conditions. ClinVar contains an entry for this variant (Variation ID: 2194213). Experimental studies and prediction algorithms are not available or were not evaluated, and the functional significance of this variant is currently unknown. In summary, the available evidence is currently insufficient to determine the role of this variant in disease. Therefore, it has been classified as a Variant of Uncertain Significance.

Ambry Genetics
Classification: Likely benign. Last evaluated: 2024-05-06. Review status: criteria provided, single submitter. Criteria: Ambry Variant Classification Scheme 2023. Collection method: clinical testing. Allele origin: germline.

NM_003954.5(MAP3K14):c.89C>T (p.Pro30Leu)

Gene: MAP3K14 (mitogen-activated protein kinase kinase kinase 14; minus strand). Cytogenetic location: 17q21.31.
Variant type: single nucleotide variant.
Coding change: c.89C>T on transcript NM_003954.5 (MANE Select); coding-DNA position 89, C replaced by T.
Protein change: p.Pro30Leu; replaces proline 30 with leucine.
Molecular consequence: missense variant.
Genome position (GRCh38, 1-based): chr17:45,290,657, G>A on the plus strand (C>T on the coding strand, the complement: MAP3K14 is on the minus strand). VCF-style: chr17-45290657-G-A. GRCh37 (hg19) VCF-style: chr17-43368023-G-A.
Other names: c.89C>T (NM_003954.3); short protein forms P30L.
Identifiers: ClinVar variation 2194213 (VCV002194213.3), dbSNP rs780884476, ClinGen allele CA8614453.